The following is an entry in ClinVar:

ClinVar aggregate classification (germline): Pathogenic (1 of 4 stars; one submission).

Conditions:
Short-rib thoracic dysplasia 10 with or without polydactyly (SRTD10). Identifiers: Orphanet 474, MedGen C3810175, MONDO:0014284, OMIM 615630.
Retinitis pigmentosa 71 (RP71). Identifiers: Orphanet 791, MedGen C4225342, MONDO:0014618, OMIM 616394.

Submission:

Labcorp Genetics (formerly Invitae), Labcorp
Classification: Pathogenic for Retinitis pigmentosa 71; Short-rib thoracic dysplasia 10 with or without polydactyly. Last evaluated: 2024-04-03. Review status: criteria provided, single submitter. Criteria: Invitae Variant Classification Sherloc (09022015). Collection method: clinical testing. Allele origin: germline.
Comment: This sequence change creates a premature translational stop signal (p.Val1077Asnfs*6) in the IFT172 gene. It is expected to result in an absent or disrupted protein product. Loss-of-function variants in IFT172 are known to be pathogenic (PMID: 24140113). This variant is not present in population databases (gnomAD no frequency). This variant has not been reported in the literature in individuals affected with IFT172-related conditions. Algorithms developed to predict the effect of sequence changes on RNA splicing suggest that this variant may disrupt the consensus splice site. For these reasons, this variant has been classified as Pathogenic.

Literature cited by the submitters: PubMed 24140113.

NC_000002.12:g.27456649_27456656del

Gene: IFT172 (intraflagellar transport 172; minus strand). Cytogenetic location: 2p23.3.
Variant type: Deletion.
Genome position: GRCh38 VCF-style: chr2-27456645-TCTGGCCAC-T. GRCh37 (hg19) VCF-style: chr2-27679512-TCTGGCCAC-T.
Identifiers: ClinVar variation 3751859 (VCV003751859.2).